The following is an entry in ClinVar:

NM_000500.9(CYP21A2):c.1451_1452delinsC (p.Arg484fs)

Genes: CYP21A2 (cytochrome P450 family 21 subfamily A member 2; plus strand), LOC106780800 (CYP21A2 recombination region; plus strand). Cytogenetic location: 6p21.33.
Variant type: Indel.
Coding change: c.1451_1452delinsC on transcript NM_000500.9 (MANE Select); coding-DNA positions 1451 to 1452, GG replaced by C.
Protein change: p.Arg484fs; shifts the reading frame from arginine 484.
Molecular consequence: frameshift variant.
Genome position (GRCh38, 1-based): chr6:32,041,097-32,041,098, GG replaced by C. VCF-style: chr6-32041097-GG-C. GRCh37 (hg19) VCF-style: chr6-32008874-GG-C.
Other names: (p.Arg484ProfsTer58); c.1361_1362delinsC, p.Arg454fs (NM_001128590.4); c.1046_1047delinsC, p.Arg349fs (NM_001368143.2, NM_001368144.2); short protein forms R349fs, R484fs, R454fs.
Identifiers: ClinVar variation 12157 (VCV000012157.16), dbSNP rs397509367, ClinGen allele CA256233.

ClinVar aggregate classification (germline): Pathogenic/Likely pathogenic. Review status: criteria provided, multiple submitters, no conflicts (2 of 4 stars). 8 submissions from 8 submitters: Pathogenic (5); Likely pathogenic (1). 2 of the submissions do not count toward it. Last evaluated 2025-10-09.

Conditions:
CYP21A2-related disorder. Also called: CYP21A2-related condition.
21-Hydroxylase-Deficient Congenital Adrenal Hyperplasia. Also called: ADRENAL HYPERPLASIA, CONGENITAL, DUE TO 21-HYDROXYLASE DEFICIENCY; ADRENAL HYPERPLASIA III. Identifiers: MedGen C2936858, OMIM 201910.

Submissions (8):

Lildballe Lab, Aarhus University Hospital
Classification: Pathogenic for congenital adrenal hyperplasia, due to 21-hydroxylase deficiency. Last evaluated: 2025-10-09. Review status: criteria provided, single submitter. Criteria: ACMG Guidelines, 2015. Collection method: research. Allele origin: germline. Affected: yes.
Comment: PM3 PVS1 PM2sup

Athena Diagnostics
Classification: Pathogenic. Last evaluated: 2025-09-08. Review status: criteria provided, single submitter. Criteria: Athena Diagnostics Criteria. Collection method: clinical testing. Allele origin: unknown.
Comment: This variant is expected to extend the open reading frame, and is therefore not expected to cause loss of protein expression through nonsense-mediated decay. Frequency data for this variant in the general population cannot be distinguished from that of the CYP21P pseudogene, and are therefore uninformative in assessment of variant pathogenicity. In multiple individuals with congenital adrenal hyperplasia, this variant has been seen in trans with other recessive pathogenic variants in CYP21A2. In some published literature, this variant is referred to as c.1448_1449delinsC, or a frameshift at codon 483.

Quest Diagnostics Nichols Institute San Juan Capistrano
Classification: Pathogenic. Last evaluated: 2025-09-08. Review status: criteria provided, single submitter. Criteria: Quest Diagnostics criteria. Collection method: clinical testing. Allele origin: unknown.
Comment: The CYP21A2 c.1451_1452delinsC (p.Arg484Profs*58) variant alters the translational reading frame of the CYP21A2 mRNA and causes abnormal protein elongation. This variant is associated with salt wasting (PMID: 30995443 (2019), 26206692 (2015), 22020670 (2012), 1496017 (1992)), simple virilizing (PMID: 24904866 (2013)), and non-classic CAH (PMID: 30995443 (2019)). Based on the available information, this variant is classified as pathogenic.

Newborn Screening Ontario, Children's Hospital of Eastern Ontario (CHEO)
Classification: Pathogenic for 21-Hydroxylase-Deficient Congenital Adrenal Hyperplasia. Last evaluated: 2022-06-01. Review status: criteria provided, single submitter. Criteria: ACMG Guidelines, 2015. Collection method: clinical testing. Allele origin: germline. Inheritance: Autosomal recessive inheritance.

Institute of Medical Genetics and Genomics, Sir Ganga Ram Hospital
Classification: Likely pathogenic for 21-Hydroxylase-Deficient Congenital Adrenal Hyperplasia. Last evaluated: 2021-03-10. Review status: criteria provided, single submitter. Criteria: ACMG Guidelines, 2015. Collection method: clinical testing. Allele origin: germline. Affected: yes. Observed: 1 variant allele.

Juno Genomics, Hangzhou Juno Genomics, Inc
Classification: Pathogenic for 21-Hydroxylase-Deficient Congenital Adrenal Hyperplasia. Review status: criteria provided, single submitter. Criteria: ACMG Guidelines, 2015. Collection method: clinical testing. Allele origin: germline.
Comment: Absent from controls (or at extremely low frequency if recessive) in Genome Aggregation Database.;Null variant in a gene where loss of function (LOF) is a known mechanism of disease.;For recessive disorders, detected in trans with a pathogenic variant.;Patient's phenotype or family history is highly specific for a disease with a single genetic etiology.

PreventionGenetics, part of Exact Sciences
Classification: Pathogenic for CYP21A2-related condition. Last evaluated: 2024-07-12. Review status: no assertion criteria provided. Collection method: clinical testing. Allele origin: germline. Not counted in ClinVar's aggregate classification.
Comment: The CYP21A2 c.1451_1452delinsC variant is predicted to result in a frameshift and premature protein termination (p.Arg484Profs*58). This variant has been documented to be associated with salt-wasting (SW) congenital adrenal hyperplasia (CAH) (Hong et al. 2015. PubMed ID: 26206692; Xu et al. 2019. PubMed ID: 30995443; Hou et al. 2019. PubMed ID: 31446012). This variant is interpreted as pathogenic.

OMIM
Classification: Pathogenic for ADRENAL HYPERPLASIA, CONGENITAL, DUE TO 21-HYDROXYLASE DEFICIENCY, CLASSIC TYPE. Last evaluated: 1992-08-01. Review status: no assertion criteria provided. Collection method: literature only. Allele origin: germline. Not counted in ClinVar's aggregate classification.

Literature cited by the submitters: PubMed 33552137 (cited by 3 submitters); PubMed 30995443 (cited by Athena Diagnostics and Quest Diagnostics Nichols Institute San Juan Capistrano); PubMed 22020670 (cited by Athena Diagnostics and Quest Diagnostics Nichols Institute San Juan Capistrano); PubMed 26206692 (cited by Athena Diagnostics and Quest Diagnostics Nichols Institute San Juan Capistrano); PubMed 24904866 (cited by Athena Diagnostics and Quest Diagnostics Nichols Institute San Juan Capistrano); PubMed 31446012 (cited by Athena Diagnostics and Quest Diagnostics Nichols Institute San Juan Capistrano); PubMed 33809035 (cited by Athena Diagnostics and Quest Diagnostics Nichols Institute San Juan Capistrano); PubMed 35882282 (cited by Athena Diagnostics and Quest Diagnostics Nichols Institute San Juan Capistrano); PubMed 33864926 (cited by Athena Diagnostics and Quest Diagnostics Nichols Institute San Juan Capistrano); PubMed 1496017 (cited by 3 submitters); PubMed 23359698 (cited by Institute of Medical Genetics and Genomics, Sir Ganga Ram Hospital); PubMed 30611409 (cited by Institute of Medical Genetics and Genomics, Sir Ganga Ram Hospital); PubMed 29035424 (cited by Institute of Medical Genetics and Genomics, Sir Ganga Ram Hospital).